The following is an entry in ClinVar:

ClinVar aggregate classification (germline): Pathogenic (1 of 4 stars; one submission).

Conditions:
Arrhythmogenic right ventricular dysplasia 8 (ARVD8). Also called: Arrhythmogenic Right Ventricular Dysplasia/Cardiomyopathy 8; ARRHYTHMOGENIC RIGHT VENTRICULAR DYSPLASIA, FAMILIAL, 8; ARRHYTHMOGENIC RIGHT VENTRICULAR CARDIOMYOPATHY 8. Identifiers: MedGen C1843896, MONDO:0011831, OMIM 607450.
Arrhythmogenic cardiomyopathy with wooly hair and keratoderma. Also called: PALMOPLANTAR KERATODERMA WITH LEFT VENTRICULAR CARDIOMYOPATHY AND WOOLLY HAIR; Arrhythmogenic cardiomyopathy with woolly hair and keratoderma; Carvajal syndrome; Dilated cardiomyopathy with woolly hair and keratoderma. Identifiers: Orphanet 65282, MedGen C1854063, MONDO:0011581, OMIM 605676.

Submission:

Labcorp Genetics (formerly Invitae), Labcorp
Classification: Pathogenic for Arrhythmogenic cardiomyopathy with wooly hair and keratoderma; Arrhythmogenic right ventricular dysplasia 8. Last evaluated: 2025-04-02. Review status: criteria provided, single submitter. Criteria: Invitae Variant Classification Sherloc (09022015). Collection method: clinical testing. Allele origin: germline.
Comment: This sequence change creates a premature translational stop signal (p.Glu1168Serfs*7) in the DSP gene. It is expected to result in an absent or disrupted protein product. Loss-of-function variants in DSP are known to be pathogenic (PMID: 20716751, 24503780, 25227139). This variant is not present in population databases (gnomAD no frequency). This variant has not been reported in the literature in individuals affected with DSP-related conditions. For these reasons, this variant has been classified as Pathogenic.

Literature cited by the submitters: PubMed 20716751; PubMed 24503780; PubMed 25227139.

NM_004415.4(DSP):c.3502del (p.Glu1168fs)

Gene: DSP (desmoplakin; plus strand). Cytogenetic location: 6p24.3.
Variant type: Deletion.
Coding change: c.3502del on transcript NM_004415.4 (MANE Select); coding-DNA position 3502, one base deleted (G; older notation c.3502delG).
Protein change: p.Glu1168fs; shifts the reading frame from glutamic acid 1168.
Molecular consequence: frameshift variant.
Genome position (GRCh38, 1-based): chr6:7,579,692, G deleted; the last of 2 consecutive G bases (chr6:7,579,691-7,579,692); deleting either gives the same sequence. VCF-style (leftmost placement, unchanged base first): chr6-7579690-AG-A. GRCh37 (hg19) VCF-style: chr6-7579923-AG-A.
Other names: c.3502del, p.Glu1168fs (NM_001008844.3, NM_001319034.2); short protein forms E1168fs.
Identifiers: ClinVar variation 4784615 (VCV004784615.1).
Genomic context (GRCh38, chr6:7,579,690, plus strand): 5'-AATGTGAAAAGGAGAACCTTGGTTGGCAGAAATTAGAGTCTGAGAAAGCCATCAAGGAGA[AG>A]GAGTACGAGATTGAAAGGTTGAGGGTTCTACTGCAGGAAGAAGGCACCCGGAAGAGAGAA-3'